The following is an entry in ClinVar:

ClinVar aggregate classification (germline): Likely benign (1 of 4 stars; one submission).

Conditions:
Hyaline fibromatosis syndrome (HFS). Also called: Hyalinosis, Inherited Systemic; HYALINOSIS, SYSTEMIC. Identifiers: Orphanet 2028, Orphanet 498474, MedGen C5574677, MONDO:0009229, OMIM 228600.

Allele frequency attached by ClinVar (database versions not stated): 1000 Genomes Project 30x 0.00250; 1000 Genomes Project 0.00339; gnomAD 0.00344 and 0.00380; TOPMed 0.00359.

Submission:

Illumina Laboratory Services, Illumina
Classification: Likely benign for Hyaline fibromatosis syndrome. Last evaluated: 2018-01-12. Review status: criteria provided, single submitter. Criteria: ICSL Variant Classification Criteria 13 December 2019. Collection method: clinical testing. Allele origin: germline.
Comment: This variant was observed in the ICSL laboratory as part of a predisposition screen in an ostensibly healthy population. It had not been previously curated by ICSL or reported in the Human Gene Mutation Database (HGMD: prior to June 1st, 2018), and was therefore a candidate for classification through an automated scoring system. Utilizing variant allele frequency, disease prevalence and penetrance estimates, and inheritance mode, an automated score was calculated to assess if this variant is too frequent to cause the disease. Based on the score and internal cut-off values, a variant classified as likely benign is not then subjected to further curation. The score for this variant resulted in a classification of likely benign for this disease.

NM_058172.6(ANTXR2):c.*2245G>A

Gene: ANTXR2 (ANTXR cell adhesion molecule 2; minus strand). Cytogenetic location: 4q21.21.
Variant type: single nucleotide variant.
Coding change: c.*2245G>A on transcript NM_058172.6 (MANE Select); 2245 bases downstream of the stop codon, G replaced by A.
Molecular consequence: 3 prime UTR variant.
Genome position (GRCh38, 1-based): chr4:79,905,184, C>T on the plus strand (G>A on the coding strand, the complement: ANTXR2 is on the minus strand). VCF-style: chr4-79905184-C-T. GRCh37 (hg19) VCF-style: chr4-80826338-C-T.
Other names: c.*2245G>A (NM_001286780.2, NM_001286781.2).
Identifiers: ClinVar variation 904669 (VCV000904669.4), dbSNP rs116794675, ClinGen allele CA100488407.